The following is an entry in ClinVar:

ClinVar aggregate classification (germline): Uncertain significance (1 of 4 stars; one submission).

Conditions:
Inborn genetic diseases. Identifiers: MedGen C0950123, MeSH D030342.

gnomAD v4.1: 9 of 1,568,844 alleles (0.00057%); highest among the groups gnomAD compares: Non-Finnish European, 0.00077%; no homozygotes.

Submission:

Ambry Genetics
Classification: Uncertain significance for Inborn genetic diseases. Last evaluated: 2025-02-06. Review status: criteria provided, single submitter. Criteria: Ambry Variant Classification Scheme 2023. Collection method: clinical testing. Allele origin: germline.
Comment: The c.786+5G>C intronic alteration results from a G to C substitution 5 nucleotides after coding exon 6 of the STUB1 gene. Based on data from gnomAD, the C allele has an overall frequency of 0.003% (6/179002) total alleles studied. The highest observed frequency was 0.006% (6/93644) of European (non-Finnish) alleles. This nucleotide position is well conserved in available vertebrate species. In silico splice site analysis predicts that this alteration will not have any significant effect on splicing. Based on insufficient or conflicting evidence, the clinical significance of this alteration remains unclear.

NM_005861.4(STUB1):c.786+5G>C

Genes: JMJD8 (jumonji domain containing 8; minus strand), STUB1 (STIP1 homology and U-box containing protein 1; plus strand). Cytogenetic location: 16p13.3.
Variant type: single nucleotide variant.
Coding change: c.786+5G>C on transcript NM_005861.4 (MANE Select); 5 bases into the intron after coding-DNA position 786, G replaced by C.
Molecular consequence: intron variant. On other transcripts: 3 prime UTR variant (5), non-coding transcript variant (3).
Genome position (GRCh38, 1-based): chr16:682,286, G>C. VCF-style: chr16-682286-G-C. GRCh37 (hg19) VCF-style: chr16-732286-G-C.
Other names: c.*508C>G (NM_001005920.4, NM_001323919.3, NM_001323920.3); c.*542C>G (NM_001323918.3, NM_001323922.3); c.570+5G>C (NM_001293197.2).
Identifiers: ClinVar variation 3802723 (VCV003802723.1).
Genomic context (GRCh38, chr16:682,286, plus strand): 5'-GCATCACGCCCAGTGGCATCACCTACGACCGCAAGGACATCGAGGAGCACCTGCAGGTGA[G>C]GCCTGCGGCTGGGGGAGCAGGGCCAGTGGCATGGTCCTGGGCCCCATGACTGCCCTCTGC-3'